The following is an entry in ClinVar:

ClinVar aggregate classification (germline): Uncertain significance. Review status: criteria provided, multiple submitters, no conflicts (2 of 4 stars). 2 submissions from 2 submitters: Uncertain significance (2). Last evaluated 2022-11-10.

Allele frequency attached by ClinVar (database versions not stated): gnomAD exomes 0.00003.
gnomAD v4.1: 37 of 1,614,028 alleles (0.0023%); highest among the groups gnomAD compares: Non-Finnish European, 0.0031%; no homozygotes.

Submissions (2):

GeneDx
Classification: Uncertain significance. Last evaluated: 2022-11-10. Review status: criteria provided, single submitter. Criteria: GeneDx Variant Classification Process June 2021. Collection method: clinical testing. Allele origin: germline. Affected: yes.
Comment: In silico analysis supports that this missense variant has a deleterious effect on protein structure/function; Has not been previously published as pathogenic or benign to our knowledge

Greenwood Genetic Center Diagnostic Laboratories, Greenwood Genetic Center
Classification: Uncertain significance. Last evaluated: 2021-04-13. Review status: criteria provided, single submitter. Criteria: ACMG Guidelines, 2015. Collection method: clinical testing. Allele origin: germline. Affected: yes.
Comment: PP2, PP3, PM2

NM_001378452.1(ITPR1):c.4115G>A (p.Arg1372Gln)

Gene: ITPR1 (inositol 1,4,5-trisphosphate receptor type 1; plus strand). Cytogenetic location: 3p26.1.
Variant type: single nucleotide variant.
Coding change: c.4115G>A on transcript NM_001378452.1 (MANE Select); coding-DNA position 4115, G replaced by A.
Protein change: p.Arg1372Gln; replaces arginine 1372 with glutamine.
Molecular consequence: missense variant.
Genome position (GRCh38, 1-based): chr3:4,693,575, G>A. VCF-style: chr3-4693575-G-A. GRCh37 (hg19) VCF-style: chr3-4735259-G-A.
Other names: c.4088G>A, p.Arg1363Gln (NM_001099952.4); c.4070G>A, p.Arg1357Gln (NM_001168272.2); c.4043G>A, p.Arg1348Gln (NM_002222.7); c.4043G>A (NM_002222.5); short protein forms R1348Q, R1357Q, R1363Q, R1372Q.
Identifiers: ClinVar variation 1334537 (VCV001334537.5), dbSNP rs2125249432, ClinGen allele CA351631581.
Genomic context (GRCh38, chr3:4,693,575, plus strand): 5'-TCGTGTTCTACAACGACAGAGCCTCTTTCCAGACTCTGATCCAGATGATGCGGTCAGAAC[G>A]GGATCGGATGGATGAGAACAGCCCTCTCATGTACCACATCCACTTGGTCGAGCTCCTGGC-3'
Protein context (NP_001365381.1, residues 1362-1382): QTLIQMMRSE[Arg1372Gln]DRMDENSPLM